The following is an entry in ClinVar:

NM_001003699.4(RREB1):c.2574C>G (p.Pro858=)

Gene: RREB1 (ras responsive element binding protein 1; plus strand). Cytogenetic location: 6p24.3.
Variant type: single nucleotide variant.
Coding change: c.2574C>G on transcript NM_001003699.4 (MANE Select); coding-DNA position 2574, C replaced by G.
Protein change: p.Pro858=; no amino-acid change (proline 858 retained).
Molecular consequence: synonymous variant.
Genome position (GRCh38, 1-based): chr6:7,230,673, C>G. VCF-style: chr6-7230673-C-G. GRCh37 (hg19) VCF-style: chr6-7230906-C-G.
Other names: c.2574C>G, p.Pro858= (NM_001003698.4, NM_001003700.2, NM_001168344.2).
Identifiers: ClinVar variation 721328 (VCV000721328.20), dbSNP rs116759588, ClinGen allele CA3625865.

ClinVar aggregate classification (germline): Benign/Likely benign. Review status: criteria provided, multiple submitters, no conflicts (2 of 4 stars). 2 submissions from 2 submitters: Benign (1); Likely benign (1). Last evaluated 2024-07-01.

Allele frequency attached by ClinVar (database versions not stated): gnomAD 0.00038; TOPMed 0.00056; 1000 Genomes Project 30x 0.00172; 1000 Genomes Project 0.00200.
gnomAD v4.1: 514 of 1,594,870 alleles (0.032%); highest among the groups gnomAD compares: East Asian, 0.95%; 2 homozygotes.

Submissions (2):

CeGaT Center for Human Genetics Tuebingen
Classification: Likely benign. Last evaluated: 2024-07-01. Review status: criteria provided, single submitter. Criteria: CeGaT Center For Human Genetics Tuebingen Variant Classification Criteria Version 2. Collection method: clinical testing. Allele origin: germline. Affected: yes. Observed: 1 variant allele.
Comment: RREB1: BP4, BP7

Labcorp Genetics (formerly Invitae), Labcorp
Classification: Benign. Last evaluated: 2018-01-30. Review status: criteria provided, single submitter. Criteria: Invitae Variant Classification Sherloc (09022015). Collection method: clinical testing. Allele origin: germline.